The following is an entry in ClinVar:

NM_000160.5(GCGR):c.1138G>A (p.Ala380Thr)

Gene: GCGR (glucagon receptor; plus strand). Cytogenetic location: 17q25.3.
Variant type: single nucleotide variant.
Coding change: c.1138G>A on transcript NM_000160.5 (MANE Select); coding-DNA position 1138, G replaced by A.
Protein change: p.Ala380Thr; replaces alanine 380 with threonine.
Molecular consequence: missense variant.
Genome position (GRCh38, 1-based): chr17:81,812,907, G>A. VCF-style: chr17-81812907-G-A. GRCh37 (hg19) VCF-style: chr17-79770783-G-A.
Other names: c.1138G>A (NM_000160.3); short protein forms A380T.
Identifiers: ClinVar variation 1442582 (VCV001442582.12), dbSNP rs377211796, ClinGen allele CA8842192.

ClinVar aggregate classification (germline): Uncertain significance. Review status: criteria provided, multiple submitters, no conflicts (2 of 4 stars). 2 submissions from 2 submitters: Uncertain significance (2). Last evaluated 2024-03-30.

Allele frequency attached by ClinVar (database versions not stated): gnomAD exomes 0.00004; ExAC 0.00006; gnomAD 0.00007 and 0.00008; TOPMed 0.00007; ESP Exome Variant Server 0.00022.
gnomAD v4.1: 70 of 1,535,974 alleles (0.0046%); highest among the groups gnomAD compares: African/African-American, 0.022%; no homozygotes.

Submissions (2):

Ambry Genetics
Classification: Uncertain significance. Last evaluated: 2024-03-30. Review status: criteria provided, single submitter. Criteria: Ambry Variant Classification Scheme 2023. Collection method: clinical testing. Allele origin: germline.

Labcorp Genetics (formerly Invitae), Labcorp
Classification: Uncertain significance. Last evaluated: 2022-08-16. Review status: criteria provided, single submitter. Criteria: Invitae Variant Classification Sherloc (09022015). Collection method: clinical testing. Allele origin: germline.
Comment: This variant has not been reported in the literature in individuals affected with GCGR-related conditions. This sequence change replaces alanine, which is neutral and non-polar, with threonine, which is neutral and polar, at codon 380 of the GCGR protein (p.Ala380Thr). This variant is present in population databases (rs377211796, gnomAD 0.04%). ClinVar contains an entry for this variant (Variation ID: 1442582). Algorithms developed to predict the effect of missense changes on protein structure and function output the following: SIFT: "Tolerated"; PolyPhen-2: "Benign"; Align-GVGD: "Class C0". The threonine amino acid residue is found in multiple mammalian species, which suggests that this missense change does not adversely affect protein function. In summary, the available evidence is currently insufficient to determine the role of this variant in disease. Therefore, it has been classified as a Variant of Uncertain Significance.